The following is an entry in ClinVar:

NM_014991.6(WDFY3):c.8902-2A>G

Gene: WDFY3 (WD repeat and FYVE domain containing 3; minus strand). Cytogenetic location: 4q21.23.
Variant type: single nucleotide variant.
Coding change: c.8902-2A>G on transcript NM_014991.6 (MANE Select); the canonical splice acceptor site of the intron before coding-DNA position 8902, A replaced by G.
Molecular consequence: splice acceptor variant.
Genome position (GRCh38, 1-based): chr4:84,693,034, T>C on the plus strand (A>G on the coding strand, the complement: WDFY3 is on the minus strand). VCF-style: chr4-84693034-T-C. GRCh37 (hg19) VCF-style: chr4-85614187-T-C.
Identifiers: ClinVar variation 4854950 (VCV004854950.1).

ClinVar aggregate classification (germline): Likely pathogenic (1 of 4 stars; one submission).

Conditions:
Microcephaly 18, primary, autosomal dominant (MCPH18). Identifiers: MedGen C4479608, MONDO:0054593, OMIM 617520.

Submission:

3billion
Classification: Likely pathogenic for Microcephaly 18, primary, autosomal dominant. Last evaluated: 2025-09-27. Review status: criteria provided, single submitter. Criteria: ACMG Guidelines, 2015. Collection method: clinical testing. Allele origin: germline. Affected: yes.
Comment: The variant is not observed in the gnomAD v4.1.0 dataset. Predicted Consequence/Location: Canonical splice site: predicted to alter splicing and result in a loss or disruption of normal protein function. Multiple pathogenic loss-of-function variants are reported downstream of the variant. In silico tools predict the variant to alter splicing and produce an abnormal transcript [SpliceAI: 0.99 (spliceogenicity >=0.2, non-spliceogenicity <0.1)]. Therefore, this variant is classified as Likely pathogenic according to the recommendation of ACMG/AMP guideline.